The following is an entry in ClinVar:

ClinVar aggregate classification (germline): Uncertain significance (1 of 4 stars; one submission).

Conditions:
Hypertrophic cardiomyopathy. Also called: HYPERTROPHIC MYOCARDIOPATHY. Identifiers: Orphanet 217569, MedGen C0007194, MeSH D002312, MONDO:0005045, HP:0001639.

Submission:

All of Us Research Program, National Institutes of Health
Classification: Uncertain significance for Hypertrophic cardiomyopathy. Last evaluated: 2023-12-18. Review status: criteria provided, single submitter. Criteria: ACMG Guidelines, 2015. Collection method: clinical testing. Allele origin: germline. Inheritance: Autosomal dominant inheritance. Observed: 1 variant allele, 1 heterozygote.
Comment: This variant causes a deletion in intron 20 of the MYBPC3 gene. To our knowledge, functional studies have not been reported for this variant. This variant has not been reported in individuals affected with MYBPC3-related disorders in the literature. This variant has been identified in 3/248274 chromosomes in the general population by the Genome Aggregation Database (gnomAD). The available evidence is insufficient to determine the role of this variant in disease conclusively. Therefore, this variant is classified as a Variant of Uncertain Significance.

This study involves interpretation of variants in research participants for the purpose of population health screening. Participant phenotype was not available at the time of variant classification. Additional details can be found in publication PMID: 35346344, PMCID: PMC8962531

NM_000256.3(MYBPC3):c.1928-27_1928-14del

Gene: MYBPC3 (myosin binding protein C3; minus strand). Cytogenetic location: 11p11.2.
Variant type: Deletion.
Coding change: c.1928-27_1928-14del on transcript NM_000256.3 (MANE Select); 27 bases into the intron before coding-DNA position 1928 through 14 bases into the intron before coding-DNA position 1928, 14 bases deleted (CTCTGAACTACATT).
Molecular consequence: intron variant.
Genome position (GRCh38, 1-based): chr11:47,339,804-47,339,817, AATGTAGTTCAGAG deleted on the plus strand (CTCTGAACTACATT on the coding strand, the reverse complement: MYBPC3 is on the minus strand); deleting any 14 consecutive bases within chr11:47,339,804-47,339,819 gives the same sequence; the c. name uses the placement nearest the transcript's 3' end. VCF-style (leftmost placement, unchanged base first): chr11-47339803-CAATGTAGTTCAGAG-C. GRCh37 (hg19) VCF-style: chr11-47361354-CAATGTAGTTCAGAG-C.
Identifiers: ClinVar variation 3075124 (VCV003075124.1), dbSNP rs776535637, ClinGen allele CA078418.